The following is an entry in ClinVar:

NM_015346.4(ZFYVE26):c.6263G>A (p.Arg2088His)

Gene: ZFYVE26 (zinc finger FYVE-type containing 26; minus strand). Cytogenetic location: 14q24.1.
Variant type: single nucleotide variant.
Coding change: c.6263G>A on transcript NM_015346.4 (MANE Select); coding-DNA position 6263, G replaced by A.
Protein change: p.Arg2088His; replaces arginine 2088 with histidine.
Molecular consequence: missense variant.
Genome position (GRCh38, 1-based): chr14:67,762,309, C>T on the plus strand (G>A on the coding strand, the complement: ZFYVE26 is on the minus strand). VCF-style: chr14-67762309-C-T. GRCh37 (hg19) VCF-style: chr14-68229026-C-T.
Other names: short protein forms R2088H.
Identifiers: ClinVar variation 583160 (VCV000583160.5), dbSNP rs769602785, ClinGen allele CA7239270.

ClinVar aggregate classification (germline): Uncertain significance. Review status: criteria provided, multiple submitters, no conflicts (2 of 4 stars). 2 submissions from 2 submitters: Uncertain significance (2). Last evaluated 2025-07-31.

Conditions:
Spastic paraplegia. Identifiers: MedGen C0037772, HP:0001258.

Allele frequency attached by ClinVar (database versions not stated): gnomAD exomes 0.00001; ExAC 0.00002; gnomAD 0.00002; TOPMed 0.00002.

Submissions (2):

Labcorp Genetics (formerly Invitae), Labcorp
Classification: Uncertain significance for Spastic paraplegia. Last evaluated: 2025-07-31. Review status: criteria provided, single submitter. Criteria: Invitae Variant Classification Sherloc (09022015). Collection method: clinical testing. Allele origin: germline.
Comment: This sequence change replaces arginine, which is basic and polar, with histidine, which is basic and polar, at codon 2088 of the ZFYVE26 protein (p.Arg2088His). This variant is present in population databases (rs769602785, gnomAD 0.01%). This variant has not been reported in the literature in individuals affected with ZFYVE26-related conditions. ClinVar contains an entry for this variant (Variation ID: 583160). An algorithm developed to predict the effect of missense changes on protein structure and function (PolyPhen-2) suggests that this variant is likely to be disruptive. In summary, the available evidence is currently insufficient to determine the role of this variant in disease. Therefore, it has been classified as a Variant of Uncertain Significance.

Blueprint Genetics
Classification: Uncertain significance. Last evaluated: 2022-05-27. Review status: criteria provided, single submitter. Criteria: ACMG Guidelines, 2015. Collection method: clinical testing. Allele origin: germline.